The following is an entry in ClinVar:

ClinVar aggregate classification (germline): Pathogenic (1 of 4 stars; one submission).

Conditions:
Alkaptonuria (AKU). Also called: Homogentisic acidura; Alcaptonuria; HOMOGENTISIC ACID OXIDASE DEFICIENCY; Alkaptonuric ochronosis. Identifiers: Orphanet 56, MedGen C0002066, MONDO:0008753, OMIM 203500.

Submission:

Labcorp Genetics (formerly Invitae), Labcorp
Classification: Pathogenic for Alkaptonuria. Last evaluated: 2021-07-08. Review status: criteria provided, single submitter. Criteria: Invitae Variant Classification Sherloc (09022015). Collection method: clinical testing. Allele origin: germline.
Comment: This sequence change creates a premature translational stop signal (p.Tyr423*) in the HGD gene. While this is not anticipated to result in nonsense mediated decay, it is expected to disrupt the last 23 amino acid(s) of the HGD protein. This variant is not present in population databases (ExAC no frequency). This variant has not been reported in the literature in individuals affected with HGD-related conditions. This variant disrupts a region of the HGD protein in which other variant(s) (p.Lys431Hisfs*11) have been determined to be pathogenic (PMID: 23430897, 25681086; Invitae). This suggests that this is a clinically significant region of the protein, and that variants that disrupt it are likely to be disease-causing. For these reasons, this variant has been classified as Pathogenic.

Literature cited by the submitters: PubMed 23430897; PubMed 25681086.

NM_000187.4(HGD):c.1269C>A (p.Tyr423Ter)

Gene: HGD (homogentisate 1,2-dioxygenase; minus strand). Cytogenetic location: 3q13.33.
Variant type: single nucleotide variant.
Coding change: c.1269C>A on transcript NM_000187.4 (MANE Select); coding-DNA position 1269, C replaced by A.
Protein change: p.Tyr423Ter; replaces tyrosine 423 with a stop codon.
Molecular consequence: nonsense.
Genome position (GRCh38, 1-based): chr3:120,628,449, G>T on the plus strand (C>A on the coding strand, the complement: HGD is on the minus strand). VCF-style: chr3-120628449-G-T. GRCh37 (hg19) VCF-style: chr3-120347296-G-T.
Other names: short protein forms Y423*.
Identifiers: ClinVar variation 1458490 (VCV001458490.6), dbSNP rs1186509068, ClinGen allele CA354072214.
Genomic context (GRCh38, chr3:120,628,449, plus strand): 5'-TTCTGCTGGGTTCCTGGAGTTGGGAGTGAAGTGGCTCTTGAGTGGCTCCCAGCACTTGTG[G>T]TAGTTCTCATCCAAACACCTGGAGGCCTTGAGTCCCCACTTTGTGACCGCCAGACTTAAA-3'